The following is an entry in ClinVar:

NM_004360.5(CDH1):c.1041T>C (p.Ala347=)

Gene: CDH1 (cadherin 1; plus strand). Cytogenetic location: 16q22.1.
Variant type: single nucleotide variant.
Coding change: c.1041T>C on transcript NM_004360.5 (MANE Select); coding-DNA position 1041, T replaced by C.
Protein change: p.Ala347=; no amino-acid change (alanine 347 retained).
Molecular consequence: synonymous variant. On other transcripts: 5 prime UTR variant (2).
Genome position (GRCh38, 1-based): chr16:68,812,167, T>C. VCF-style: chr16-68812167-T-C. GRCh37 (hg19) VCF-style: chr16-68846070-T-C.
Other names: c.1041T>C, p.Ala347= (NM_001317184.2); c.-575T>C (NM_001317185.2); c.-779T>C (NM_001317186.2).
Identifiers: ClinVar variation 1111409 (VCV001111409.10), dbSNP rs1960855371, ClinGen allele CA496153023.

ClinVar aggregate classification (germline): Benign/Likely benign. Review status: criteria provided, multiple submitters, no conflicts (2 of 4 stars). 2 submissions from 2 submitters: Benign (1); Likely benign (1). Last evaluated 2024-09-17.

Conditions:
Hereditary diffuse gastric adenocarcinoma (HDGC). Also called: DIFFUSE GASTRIC AND LOBULAR BREAST CANCER SYNDROME. Identifiers: Orphanet 26106, MedGen C1708349, MONDO:0007648, OMIM 137215.

Submissions (2):

Myriad Genetics, Inc.
Classification: Benign for Hereditary diffuse gastric adenocarcinoma. Last evaluated: 2024-09-17. Review status: criteria provided, single submitter. Criteria: Myriad Autosomal Dominant, Autosomal Recessive and X-Linked Classification Criteria (2023). Collection method: clinical testing. Allele origin: unknown.
Comment: This variant is considered benign. This variant is a silent/synonymous amino acid change and it is not expected to impact splicing.

Labcorp Genetics (formerly Invitae), Labcorp
Classification: Likely benign for Hereditary diffuse gastric adenocarcinoma. Last evaluated: 2020-06-22. Review status: criteria provided, single submitter. Criteria: Invitae Variant Classification Sherloc (09022015). Collection method: clinical testing. Allele origin: germline.